The following is an entry in ClinVar:

ClinVar aggregate classification (germline): Uncertain significance (1 of 4 stars; one submission).

Conditions:
Landau-Kleffner syndrome (FESD). Also called: EPILEPSY, FOCAL, WITH SPEECH DISORDER AND WITH OR WITHOUT MENTAL RETARDATION; APHASIA, ACQUIRED, WITH EPILEPSY. Identifiers: Orphanet 1945, Orphanet 725, Orphanet 98818, MedGen C0282512, MONDO:0009509, OMIM 245570.

Submission:

3billion
Classification: Uncertain significance for Landau-Kleffner syndrome. Last evaluated: 2025-11-24. Review status: criteria provided, single submitter. Criteria: ACMG Guidelines, 2015. Collection method: clinical testing. Allele origin: germline. Affected: yes.
Comment: The variant is not observed in the gnomAD v4.1.0 dataset. Predicted Consequence/Location: Missense variant In silico tool predictions suggest damaging effect of the variant on gene or gene product [REVEL: 0.91 (>=0.6, sensitivity 0.68 and specificity 0.92); 3Cnet: 0.81 (> 0.75, sensitivity 0.96 and precision 0.92)]. A different missense change at the same codon (p.Ala243Val) has been reported to be associated with GRIN2A-related disorder (ClinVar ID: VCV001341968 /PMID: 23933819). Therefore, this variant is classified as VUS according to the recommendation of ACMG/AMP guideline.

Literature cited by the submitters: PubMed 23933819.

NM_001134407.3(GRIN2A):c.727G>A (p.Ala243Thr)

Gene: GRIN2A (glutamate ionotropic receptor NMDA type subunit 2A; minus strand). Cytogenetic location: 16p13.2.
Variant type: single nucleotide variant.
Coding change: c.727G>A on transcript NM_001134407.3 (MANE Select); coding-DNA position 727, G replaced by A.
Protein change: p.Ala243Thr; replaces alanine 243 with threonine.
Molecular consequence: missense variant.
Genome position (GRCh38, 1-based): chr16:9,938,239, C>T on the plus strand (G>A on the coding strand, the complement: GRIN2A is on the minus strand). VCF-style: chr16-9938239-C-T. GRCh37 (hg19) VCF-style: chr16-10032096-C-T.
Other names: c.727G>A, p.Ala243Thr (NM_001134408.2, NM_000833.5); short protein forms A243T.
Identifiers: ClinVar variation 4854492 (VCV004854492.1).
Genomic context (GRCh38, chr16:9,938,239, plus strand): 5'-CAGAGACCAAGCTGGGGACAATCCAGAAGAAATCATACCCGGTGAGGCCAAGGGAGCGGG[C>T]CTCACTCAGAATGAGAACAGCCTCGTCTTTGGAACAGTAGAGCAAGATGACAGAAGAGTG-3'
Protein context (NP_001127879.1, residues 233-253): KDEAVLILSE[Ala243Thr]RSLGLTGYDF